The following is an entry in ClinVar:

ClinVar aggregate classification (germline): Uncertain significance (1 of 4 stars; one submission).

Allele frequency attached by ClinVar (database versions not stated): TOPMed below 0.00001; gnomAD exomes 0.00001.

Submission:

Labcorp Genetics (formerly Invitae), Labcorp
Classification: Uncertain significance. Last evaluated: 2025-10-08. Review status: criteria provided, single submitter. Criteria: Invitae Variant Classification Sherloc (09022015). Collection method: clinical testing. Allele origin: germline.
Comment: This sequence change replaces proline, which is neutral and non-polar, with alanine, which is neutral and non-polar, at codon 688 of the ALPK3 protein (p.Pro688Ala). This variant is present in population databases (no rsID available, gnomAD 0.0009%). This variant has not been reported in the literature in individuals affected with ALPK3-related conditions. ClinVar contains an entry for this variant (Variation ID: 1413466). Invitae Evidence Modeling of protein sequence and biophysical properties (such as structural, functional, and spatial information, amino acid conservation, physicochemical variation, residue mobility, and thermodynamic stability) indicates that this missense variant is expected to disrupt ALPK3 protein function with a positive predictive value of 80%. In summary, the available evidence is currently insufficient to determine the role of this variant in disease. Therefore, it has been classified as a Variant of Uncertain Significance.

NM_020778.5(ALPK3):c.1456C>G (p.Pro486Ala)

Gene: ALPK3 (alpha kinase 3; plus strand). Cytogenetic location: 15q25.3.
Variant type: single nucleotide variant.
Coding change: c.1456C>G on transcript NM_020778.5 (MANE Select); coding-DNA position 1456, C replaced by G.
Protein change: p.Pro486Ala; replaces proline 486 with alanine.
Molecular consequence: missense variant.
Genome position (GRCh38, 1-based): chr15:84,840,735, C>G. VCF-style: chr15-84840735-C-G. GRCh37 (hg19) VCF-style: chr15-85383966-C-G.
Other names: short protein forms P486A.
Identifiers: ClinVar variation 1413466 (VCV001413466.8), dbSNP rs1167204252, ClinGen allele CA393375661.
Genomic context (GRCh38, chr15:84,840,735, plus strand): 5'-CCCACACACTCCTTGACCCCCCAGCCGACTAGGCCTTTCAACAGAAAGAGATTTGCCCCT[C>G]CAAAGCCCAAAGGAGAGGCCACCACTGACAGCAAGCCCATTTCTTCTCTGAGTCAAGCTC-3'
Protein context (NP_065829.4, residues 476-496): RPFNRKRFAP[Pro486Ala]KPKGEATTDS